The following is an entry in ClinVar:

NM_004369.4(COL6A3):c.2809G>A (p.Glu937Lys)

Gene: COL6A3 (collagen type VI alpha 3 chain; minus strand). Cytogenetic location: 2q37.3.
Variant type: single nucleotide variant.
Coding change: c.2809G>A on transcript NM_004369.4 (MANE Select); coding-DNA position 2809, G replaced by A.
Protein change: p.Glu937Lys; replaces glutamic acid 937 with lysine.
Molecular consequence: missense variant.
Genome position (GRCh38, 1-based): chr2:237,377,033, C>T on the plus strand (G>A on the coding strand, the complement: COL6A3 is on the minus strand). VCF-style: chr2-237377033-C-T. GRCh37 (hg19) VCF-style: chr2-238285676-C-T.
Other names: c.1588G>A, p.Glu530Lys (NM_057164.5); c.2191G>A, p.Glu731Lys (NM_057165.5, NM_057167.4); c.988G>A, p.Glu330Lys (NM_057166.5); short protein forms E330K, E731K, E530K, E937K.
Identifiers: ClinVar variation 843015 (VCV000843015.12), dbSNP rs774872934, ClinGen allele CA2189318.
Genomic context (GRCh38, chr2:237,377,033, plus strand): 5'-CCACACGGTCAGATGACCTTCCTGCGACCAGCAGCACCAGGAACTGAAGCACTCCATCCT[C>T]GATCCGGCTGCCAGCAGACTTCACAAAAATGTACCTCTGTGCATAGTCCAGCGCGTAGCC-3'
Protein context (NP_004360.2, residues 927-947): IFVKSAGSRI[Glu937Lys]DGVLQFLVLL

ClinVar aggregate classification (germline): Conflicting classifications of pathogenicity. Review status: criteria provided, conflicting classifications (1 of 4 stars). 3 submissions from 3 submitters: Uncertain significance (2); Likely benign (1). Last evaluated 2025-06-22.

Conditions:
COL6A3-related disorder. Also called: COL6A3-related condition; COL6A3-related disorders.
Inborn genetic diseases. Identifiers: MedGen C0950123, MeSH D030342.
Bethlem myopathy 1A. Also called: MYOPATHY, BENIGN CONGENITAL, WITH CONTRACTURES; Bethlem Muscular Dystrophy; Bethlem myopathy 1. Identifiers: Orphanet 610, MedGen CN029274, MONDO:0024530, OMIM 158810.

Allele frequency attached by ClinVar (database versions not stated): TOPMed below 0.00001; ExAC 0.00001.
gnomAD v4.1: 11 of 1,614,208 alleles (0.00068%); highest among the groups gnomAD compares: South Asian, 0.0033%; no homozygotes.

Submissions (3):

Ambry Genetics
Classification: Uncertain significance for Inborn genetic diseases. Last evaluated: 2025-06-22. Review status: criteria provided, single submitter. Criteria: Ambry Variant Classification Scheme 2023. Collection method: clinical testing. Allele origin: germline.

PreventionGenetics, part of Exact Sciences
Classification: Uncertain significance for COL6A3-related condition. Last evaluated: 2023-05-06. Review status: criteria provided, single submitter. Criteria: ACMG Guidelines, 2015. Collection method: clinical testing. Allele origin: germline.
Comment: The COL6A3 c.2809G>A variant is predicted to result in the amino acid substitution p.Glu937Lys. To our knowledge, this variant has not been reported in the literature. This variant is reported in 0.0065% of alleles in individuals of South Asian descent in gnomAD. At this time, the clinical significance of this variant is uncertain due to the absence of conclusive functional and genetic evidence.

Labcorp Genetics (formerly Invitae), Labcorp
Classification: Likely benign for Bethlem myopathy 1A. Last evaluated: 2022-08-09. Review status: criteria provided, single submitter. Criteria: Invitae Variant Classification Sherloc (09022015). Collection method: clinical testing. Allele origin: germline.